The following is an entry in ClinVar:

ClinVar aggregate classification (germline): Likely pathogenic (0 of 4 stars; one submission).

Conditions:
Dyggve-Melchior-Clausen syndrome (DMC). Also called: Dyggve-Melchior-Clausen disease; DMC syndrome. Identifiers: Orphanet 239, MedGen C0265286, MONDO:0009130, OMIM 223800.

Submission:

HUSP Clinical Genetics Laboratory, Hospital Universitario San Pedro De Logroño (HUSP)
Classification: Likely pathogenic for Dyggve-Melchior-Clausen syndrome. Last evaluated: 2020-02-20. Review status: no assertion criteria provided. Collection method: clinical testing. Allele origin: inherited. Inheritance: Autosomal recessive inheritance. Affected: yes. Observed: 1 variant allele, 1 homozygote.
Comment: The c.54_55insC variant in the DYM gene (NM_017653.4) causes a premature stop codon. This alteration has not been reported previously in the literature. Pathological variants in the DYM gene are related to Dyggve-Melchior-Clausen disease (OMIM: 223800), with an autosomal recessive mode of inheritance. Therefore, the clinical significance of the c.54_55insC variant is likely pathogenic.

NM_001353214.3(DYM):c.54_55insC (p.Lys19fs)

Gene: DYM (dymeclin; minus strand). Cytogenetic location: 18q21.1.
Variant type: Insertion.
Coding change: c.54_55insC on transcript NM_001353214.3 (MANE Select); coding-DNA positions 54 to 55, C inserted.
Protein change: p.Lys19fs; shifts the reading frame from lysine 19.
Molecular consequence: frameshift variant.
Genome position: GRCh38 VCF-style: chr18-49430340-T-TG. GRCh37 (hg19) VCF-style: chr18-46956710-T-TG.
Other names: c.54_55insC, p.Lys19fs (NM_001374433.1, NM_001374434.1, NM_001374435.1 and 21 more transcripts); short protein forms K19fs.
Identifiers: ClinVar variation 1077099 (VCV001077099.2), dbSNP rs2148459355, ClinGen allele CA2499225196.